The following is an entry in ClinVar:

NM_020320.5(RARS2):c.788_789dup (p.Asp264fs)

Gene: RARS2 (arginyl-tRNA synthetase 2, mitochondrial; minus strand). Cytogenetic location: 6q15.
Variant type: Duplication.
Coding change: c.788_789dup on transcript NM_020320.5 (MANE Select); coding-DNA positions 788 to 789, 2 bases duplicated (TT; older notation c.788_789dupTT).
Protein change: p.Asp264fs; shifts the reading frame from aspartic acid 264.
Molecular consequence: frameshift variant. On other transcripts: non-coding transcript variant (23).
Genome position (GRCh38, 1-based): chr6:87,529,631-87,529,632, AA duplicated on the plus strand (TT on the coding strand, the reverse complement: RARS2 is on the minus strand); duplicating any 2 consecutive bases within chr6:87,529,631-87,529,634 gives the same sequence; the c. name uses the placement nearest the transcript's 3' end. VCF-style (leftmost placement, unchanged base first): chr6-87529630-C-CAA. GRCh37 (hg19) VCF-style: chr6-88239348-C-CAA.
Other names: c.263_264dup, p.Asp89fs (NM_001350508.2, NM_001350509.2, NM_001350510.2 and 4 more transcripts); c.788_789dup, p.Asp264fs (NM_001350505.2); short protein forms D264fs, D89fs.
Identifiers: ClinVar variation 2989791 (VCV002989791.3), dbSNP rs1435620034, ClinGen allele CA568700977.

ClinVar aggregate classification (germline): Pathogenic (1 of 4 stars; one submission).

Submission:

Labcorp Genetics (formerly Invitae), Labcorp
Classification: Pathogenic. Last evaluated: 2023-03-12. Review status: criteria provided, single submitter. Criteria: Invitae Variant Classification Sherloc (09022015). Collection method: clinical testing. Allele origin: germline.
Comment: For these reasons, this variant has been classified as Pathogenic. This variant has not been reported in the literature in individuals affected with RARS2-related conditions. This variant is present in population databases (no rsID available, gnomAD 0.003%). This sequence change creates a premature translational stop signal (p.Asp264Leufs*18) in the RARS2 gene. It is expected to result in an absent or disrupted protein product. Loss-of-function variants in RARS2 are known to be pathogenic (PMID: 17847012, 22569581, 26083569).

Literature cited by the submitters: PubMed 17847012; PubMed 22569581; PubMed 26083569.